The following is an entry in ClinVar:

ClinVar aggregate classification (germline): Pathogenic (1 of 4 stars; one submission).

Conditions:
Catecholaminergic polymorphic ventricular tachycardia 1. Also called: VENTRICULAR TACHYCARDIA, STRESS-INDUCED POLYMORPHIC 1; VENTRICULAR TACHYCARDIA, CATECHOLAMINERGIC POLYMORPHIC, 1, WITH OR WITHOUT ATRIAL DYSFUNCTION AND/OR DILATED CARDIOMYOPATHY; RYR2-Related Catecholaminergic Polymorphic Ventricular Tachycardia. Identifiers: Orphanet 3286, MedGen C1631597, MONDO:0011484, OMIM 604772.

gnomAD v4.1: 1 of 1,613,738 alleles (0.000062%); highest among the groups gnomAD compares: Non-Finnish European, 0.000085%; no homozygotes.

Submission:

Labcorp Genetics (formerly Invitae), Labcorp
Classification: Pathogenic for Catecholaminergic polymorphic ventricular tachycardia 1. Last evaluated: 2024-10-10. Review status: criteria provided, single submitter. Criteria: Invitae Variant Classification Sherloc (09022015). Collection method: clinical testing. Allele origin: germline.
Comment: This sequence change replaces isoleucine, which is neutral and non-polar, with phenylalanine, which is neutral and non-polar, at codon 419 of the RYR2 protein (p.Ile419Phe). This variant is not present in population databases (gnomAD no frequency). This missense change has been observed in individuals with catecholaminergic polymorphic ventricular tachycardia (PMID: 15466642; external communication). It has also been observed to segregate with disease in related individuals. Invitae Evidence Modeling of protein sequence and biophysical properties (such as structural, functional, and spatial information, amino acid conservation, physicochemical variation, residue mobility, and thermodynamic stability) indicates that this missense variant is expected to disrupt RYR2 protein function with a positive predictive value of 95%. For these reasons, this variant has been classified as Pathogenic.

Literature cited by the submitters: PubMed 15466642.

NM_001035.3(RYR2):c.1255A>T (p.Ile419Phe)

Gene: RYR2 (ryanodine receptor 2; plus strand). Cytogenetic location: 1q43.
Variant type: single nucleotide variant.
Coding change: c.1255A>T on transcript NM_001035.3 (MANE Select); coding-DNA position 1255, A replaced by T.
Protein change: p.Ile419Phe; replaces isoleucine 419 with phenylalanine.
Molecular consequence: missense variant.
Genome position (GRCh38, 1-based): chr1:237,445,485, A>T. VCF-style: chr1-237445485-A-T. GRCh37 (hg19) VCF-style: chr1-237608785-A-T.
Other names: short protein forms I419F.
Identifiers: ClinVar variation 3720290 (VCV003720290.2).